The following is an entry in ClinVar:

ClinVar aggregate classification (germline): Uncertain significance (1 of 4 stars; one submission).

Allele frequency attached by ClinVar (database versions not stated): TOPMed below 0.00001.

Submission:

Labcorp Genetics (formerly Invitae), Labcorp
Classification: Uncertain significance. Last evaluated: 2021-01-19. Review status: criteria provided, single submitter. Criteria: Invitae Variant Classification Sherloc (09022015). Collection method: clinical testing. Allele origin: germline.
Comment: This sequence change replaces glutamic acid with glycine at codon 2214 of the NBAS protein (p.Glu2214Gly). The glutamic acid residue is highly conserved and there is a moderate physicochemical difference between glutamic acid and glycine. This variant is not present in population databases (ExAC no frequency). This variant has not been reported in the literature in individuals with NBAS-related conditions. Algorithms developed to predict the effect of missense changes on protein structure and function are either unavailable or do not agree on the potential impact of this missense change (SIFT: "Deleterious"; PolyPhen-2: "Benign"; Align-GVGD: "Class C65"). In summary, the available evidence is currently insufficient to determine the role of this variant in disease. Therefore, it has been classified as a Variant of Uncertain Significance.

NM_015909.4(NBAS):c.6641A>G (p.Glu2214Gly)

Gene: NBAS (NBAS subunit of NRZ tethering complex; minus strand). Cytogenetic location: 2p24.3.
Variant type: single nucleotide variant.
Coding change: c.6641A>G on transcript NM_015909.4 (MANE Select); coding-DNA position 6641, A replaced by G.
Protein change: p.Glu2214Gly; replaces glutamic acid 2214 with glycine.
Molecular consequence: missense variant. On other transcripts: non-coding transcript variant (1).
Genome position (GRCh38, 1-based): chr2:15,186,812, T>C on the plus strand (A>G on the coding strand, the complement: NBAS is on the minus strand). VCF-style: chr2-15186812-T-C. GRCh37 (hg19) VCF-style: chr2-15326936-T-C.
Other names: short protein forms E2214G.
Identifiers: ClinVar variation 1471887 (VCV001471887.8), dbSNP rs1376784388, ClinGen allele CA345919070.
Genomic context (GRCh38, chr2:15,186,812, plus strand): 5'-AGCATCTGCTTGGTGTTATACAAAGAGCGACACATTTTCAAAACTTCATTCCCCAATCCT[T>C]CCTTGTTCTCCATCGTACATCTGGTTAGCATCACTGTAGCTAGTCTCACCCATGGATTAT-3'
Protein context (NP_056993.2, residues 2204-2224): MLTRCTMENK[Glu2214Gly]GLGNEVLKMC